The following is an entry in ClinVar:

NM_001321120.2(TBX4):c.94C>G (p.Pro32Ala)

Gene: TBX4 (T-box transcription factor 4; plus strand). Cytogenetic location: 17q23.2.
Variant type: single nucleotide variant.
Coding change: c.94C>G on transcript NM_001321120.2 (MANE Select); coding-DNA position 94, C replaced by G.
Protein change: p.Pro32Ala; replaces proline 32 with alanine.
Molecular consequence: missense variant.
Genome position (GRCh38, 1-based): chr17:61,456,584, C>G. VCF-style: chr17-61456584-C-G. GRCh37 (hg19) VCF-style: chr17-59533945-C-G.
Other names: c.94C>G, p.Pro32Ala (NM_018488.3); short protein forms P32A.
Identifiers: ClinVar variation 2663105 (VCV002663105.1), dbSNP rs762348865, ClinGen allele CA400468909.

ClinVar aggregate classification (germline): Uncertain significance (1 of 4 stars; one submission).

Submission:

GeneDx
Classification: Uncertain significance. Last evaluated: 2023-05-08. Review status: criteria provided, single submitter. Criteria: GeneDx Variant Classification Process June 2021. Collection method: clinical testing. Allele origin: germline. Affected: yes.
Comment: Not observed at significant frequency in large population cohorts (gnomAD); In silico analysis supports that this missense variant does not alter protein structure/function; Has not been previously published as pathogenic or benign to our knowledge